The following is an entry in ClinVar:

ClinVar aggregate classification (germline): Benign (0 of 4 stars; one submission).

Conditions:
DISC1-related disorder. Also called: DISC1-related condition.

Allele frequency attached by ClinVar (database versions not stated): TOPMed 0.03818; ESP Exome Variant Server 0.03929; gnomAD 0.04079; 1000 Genomes Project 0.04213; 1000 Genomes Project 30x 0.04216; ExAC 0.05037; gnomAD exomes 0.05148.
gnomAD v4.1: 69,240 of 1,370,204 alleles (5.1%); highest among the groups gnomAD compares: Middle Eastern, 7.3%; 1,995 homozygotes.

Submission:

PreventionGenetics, part of Exact Sciences
Classification: Benign for DISC1-related condition. Last evaluated: 2019-06-13. Review status: no assertion criteria provided. Collection method: clinical testing. Allele origin: germline.
Comment: This variant is classified as benign based on ACMG/AMP sequence variant interpretation guidelines (Richards et al. 2015 PMID: 25741868, with internal and published modifications).

NM_018662.3(DISC1):c.1981+48069C>G

Genes: DISC1 (DISC1 scaffold protein; plus strand), TSNAX-DISC1 (TSNAX-DISC1 readthrough (NMD candidate); plus strand). Cytogenetic location: 1q42.2.
Variant type: single nucleotide variant.
Coding change: c.1981+48069C>G on transcript NM_018662.3 (MANE Select); 48069 bases into the intron after coding-DNA position 1981, C replaced by G.
Molecular consequence: intron variant. On other transcripts: 3 prime UTR variant (1).
Genome position (GRCh38, 1-based): chr1:231,866,586, C>G. VCF-style: chr1-231866586-C-G. GRCh37 (hg19) VCF-style: chr1-232002332-C-G.
Other names: c.*8C>G (NM_001012959.2); c.2077+48069C>G (NM_001164537.2); c.1981+48069C>G (NM_001012957.2, NM_001164538.2, NM_001164541.2 and 1 more transcripts); c.1615+48069C>G (NM_001164540.2); c.1635-92242C>G (NM_001164547.2, NM_001164546.2).
Identifiers: ClinVar variation 3060171 (VCV003060171.2), dbSNP rs3081, ClinGen allele CA1454138.
Genomic context (GRCh38, chr1:231,866,586, plus strand): 5'-ATAAGTACTGTGATGCAGAGTCCTGGACACAGAGAAGTCAGCAACTTGCCTGAGGACAGC[C>G]TGCAGGACACAGCACTGTGATTTGAACCCAGAGAGTCTGACTTCAGCCCCCAGCGCTCAA-3'